The following is an entry in ClinVar:

ClinVar aggregate classification (germline): Uncertain significance (1 of 4 stars; one submission).

Submission:

GeneDx
Classification: Uncertain significance. Last evaluated: 2026-02-27. Review status: criteria provided, single submitter. Criteria: GeneDx Variant Classification Process June 2021. Collection method: clinical testing. Allele origin: germline.
Comment: Not observed at significant frequency in large population cohorts (gnomAD); In silico analysis suggests that this missense variant does not alter protein structure/function; Has not been previously published as pathogenic or benign to our knowledge

NM_006237.4(POU4F1):c.799G>C (p.Glu267Gln)

Genes: OBI1-AS1 (OBI1 antisense RNA 1; plus strand), POU4F1 (POU class 4 homeobox 1; minus strand). Cytogenetic location: 13q31.1.
Variant type: single nucleotide variant.
Coding change: c.799G>C on transcript NM_006237.4 (MANE Select); coding-DNA position 799, G replaced by C.
Protein change: p.Glu267Gln; replaces glutamic acid 267 with glutamine.
Molecular consequence: missense variant.
Genome position (GRCh38, 1-based): chr13:78,601,876, C>G on the plus strand (G>C on the coding strand, the complement: POU4F1 is on the minus strand). VCF-style: chr13-78601876-C-G. GRCh37 (hg19) VCF-style: chr13-79176011-C-G.
Other names: short protein forms E267Q.
Identifiers: ClinVar variation 5008235 (VCV005008235.1).